The following is an entry in ClinVar:

ClinVar aggregate classification (germline): Uncertain significance (1 of 4 stars; one submission).

Conditions:
Hereditary cancer-predisposing syndrome. Also called: Neoplastic Syndromes, Hereditary; Tumor predisposition; Hereditary neoplastic syndrome; Hereditary Cancer Syndrome. Identifiers: Orphanet 140162, MedGen C0027672, MeSH D009386, MONDO:0015356.
Familial thoracic aortic aneurysm and aortic dissection (TAAD). Also called: Thoracic aortic aneurysms and dissections. Identifiers: Orphanet 91387, MedGen C4707243, MONDO:0019625.

Submission:

Ambry Genetics
Classification: Uncertain significance for Hereditary cancer-predisposing syndrome; Familial thoracic aortic aneurysm and aortic dissection. Last evaluated: 2023-06-03. Review status: criteria provided, single submitter. Criteria: Ambry Variant Classification Scheme 2023. Collection method: clinical testing. Allele origin: germline.
Comment: The p.I347T variant (also known as c.1040T>C), located in coding exon 8 of the SMAD4 gene, results from a T to C substitution at nucleotide position 1040. The isoleucine at codon 347 is replaced by threonine, an amino acid with similar properties. This amino acid position is conserved. In addition, the in silico prediction for this alteration is inconclusive. Since supporting evidence is limited at this time, the clinical significance of this alteration remains unclear.

NM_005359.6(SMAD4):c.1040T>C (p.Ile347Thr)

Gene: SMAD4 (SMAD family member 4; plus strand). Cytogenetic location: 18q21.2.
Variant type: single nucleotide variant.
Coding change: c.1040T>C on transcript NM_005359.6 (MANE Select); coding-DNA position 1040, T replaced by C.
Protein change: p.Ile347Thr; replaces isoleucine 347 with threonine.
Molecular consequence: missense variant. On other transcripts: non-coding transcript variant (2).
Genome position (GRCh38, 1-based): chr18:51,065,507, T>C. VCF-style: chr18-51065507-T-C. GRCh37 (hg19) VCF-style: chr18-48591877-T-C.
Other names: c.1040T>C, p.Ile347Thr (NM_001407041.1, NM_001407042.1, NM_001407043.1); short protein forms I347T.
Identifiers: ClinVar variation 3238383 (VCV003238383.1), dbSNP rs2511382922.